The following is an entry in ClinVar:

NM_001034853.2(RPGR):c.2278G>T (p.Glu760Ter)

Gene: RPGR (retinitis pigmentosa GTPase regulator; minus strand). Cytogenetic location: Xp11.4.
Variant type: single nucleotide variant.
Coding change: c.2278G>T on transcript NM_001034853.2 (MANE Select); coding-DNA position 2278, G replaced by T.
Protein change: p.Glu760Ter; replaces glutamic acid 760 with a stop codon.
Molecular consequence: nonsense. On other transcripts: intron variant (8).
Genome position (GRCh38, 1-based): chrX:38,286,721, C>A on the plus strand (G>T on the coding strand, the complement: RPGR is on the minus strand). VCF-style: chrX-38286721-C-A. GRCh37 (hg19) VCF-style: chrX-38145974-C-A.
Other names: c.1569+4238G>T (NM_001367249.1, NM_001367250.1); c.1902+373G>T (NM_001367245.1); c.1386+4238G>T (NM_001367251.1); c.1719+373G>T (NM_001367246.1); c.1572+4238G>T (NM_001367247.1); c.1905+373G>T (NM_000328.3); c.1602+4238G>T (NM_001367248.1); short protein forms E760*.
Identifiers: ClinVar variation 2865260 (VCV002865260.3), dbSNP rs2519792372, ClinGen allele CA412731019.

ClinVar aggregate classification (germline): Pathogenic (1 of 4 stars; one submission).

Conditions:
Primary ciliary dyskinesia. Also called: Ciliary dyskinesia. Identifiers: Orphanet 244, MedGen C0008780, MONDO:0016575, HP:0012265.

Submission:

Labcorp Genetics (formerly Invitae), Labcorp
Classification: Pathogenic for Primary ciliary dyskinesia. Last evaluated: 2023-05-17. Review status: criteria provided, single submitter. Criteria: Invitae Variant Classification Sherloc (09022015). Collection method: clinical testing. Allele origin: germline.
Comment: This variant disrupts a region of the RPGR (ORF15) protein in which other variant(s) (p.Leu1130Lysfs*13) have been determined to be pathogenic (PMID: 22264887; Invitae). This suggests that this is a clinically significant region of the protein, and that variants that disrupt it are likely to be disease-causing. This sequence change creates a premature translational stop signal (p.Glu760*) in the RPGR (ORF15) gene. While this is not anticipated to result in nonsense mediated decay, it is expected to disrupt the last 393 amino acid(s) of the RPGR (ORF15) protein. This variant is not present in population databases (gnomAD no frequency). This variant has not been reported in the literature in individuals affected with RPGR (ORF15)-related conditions. For these reasons, this variant has been classified as Pathogenic.

Literature cited by the submitters: PubMed 22264887.